The following is an entry in ClinVar:

ClinVar aggregate classification (germline): Pathogenic. Review status: criteria provided, multiple submitters, no conflicts (2 of 4 stars). 2 submissions from 2 submitters: Pathogenic (2). Last evaluated 2026-04-14.

Conditions:
Progressive familial intrahepatic cholestasis type 1. Also called: BYLER DISEASE; Severe ATP8B1 Deficiency (Progressive Familial Intrahepatic Cholestasis Type 1 [PFIC1]); Byler's disease. Identifiers: Orphanet 79306, MedGen C4551898, MONDO:0008892, OMIM 211600.
Familial intrahepatic cholestasis. Identifiers: Orphanet 284385, MedGen CN296401, MONDO:0017290.

Submissions (2):

Genomenon, Inc
Classification: Pathogenic for Familial intrahepatic cholestasis. Last evaluated: 2026-04-14. Review status: criteria provided, single submitter. Criteria: Genomenon Sequence Variant Interpretation Standards - Updated. Collection method: curation. Allele origin: germline. Affected: yes.
Comment: ATP8B1 c.555-1G>C is a canonical splice variant affecting the acceptor splice site of intron 6. It is predicted to affect mRNA splicing, leading to a deleterious effect on the ATP8B1 protein. This variant has been observed in at least one proband with features of ATP8B1-deficiency (PMID:37697751). It is absent or not present at a significant frequency in gnomAD. In conclusion, we classify ATP8B1 c.555-1G>C as a pathogenic variant.

Rolfs Rare Disease Consulting, Rolfs Consulting Und Verwaltungs GmbH
Classification: Pathogenic for Progressive familial intrahepatic cholestasis type 1. Last evaluated: 2020-01-01. Review status: criteria provided, single submitter. Criteria: ACMG Guidelines, 2015. Collection method: clinical testing. Allele origin: germline. Affected: yes.

Literature cited by the submitters: PubMed 37697751 (cited by Genomenon, Inc).

NM_001374385.1(ATP8B1):c.555-1G>C

Gene: ATP8B1 (ATPase phospholipid transporting 8B1; minus strand). Cytogenetic location: 18q21.31.
Variant type: single nucleotide variant.
Coding change: c.555-1G>C on transcript NM_001374385.1 (MANE Select); the canonical splice acceptor site of the intron before coding-DNA position 555, G replaced by C.
Molecular consequence: splice acceptor variant.
Genome position (GRCh38, 1-based): chr18:57,697,868, C>G on the plus strand (G>C on the coding strand, the complement: ATP8B1 is on the minus strand). VCF-style: chr18-57697868-C-G. GRCh37 (hg19) VCF-style: chr18-55365100-C-G.
Other names: c.555-1G>C (NM_005603.6); c.405-1G>C (NM_001374386.1).
Identifiers: ClinVar variation 2687798 (VCV002687798.2), dbSNP rs2511779603, ClinGen allele CA402545309.